The following is an entry in ClinVar:

ClinVar aggregate classification (germline): Uncertain significance (1 of 4 stars; one submission).

Conditions:
Psoriasis 2. Identifiers: MedGen C1864497, MONDO:0011269, OMIM 602723.
Pityriasis rubra pilaris (PRP). Also called: Pityriasis rubra pilaris--familial type. Identifiers: Orphanet 2897, MedGen C0032027, MONDO:0100017, OMIM 173200, MONDO:0008251.

gnomAD v4.1: 2 of 1,613,532 alleles (0.00012%); highest among the groups gnomAD compares: Non-Finnish European, 0.00017%; no homozygotes.

Submission:

Labcorp Genetics (formerly Invitae), Labcorp
Classification: Uncertain significance for Pityriasis rubra pilaris; Psoriasis 2. Last evaluated: 2025-03-01. Review status: criteria provided, single submitter. Criteria: Invitae Variant Classification Sherloc (09022015). Collection method: clinical testing. Allele origin: germline.
Comment: This sequence change replaces glycine, which is neutral and non-polar, with serine, which is neutral and polar, at codon 519 of the CARD14 protein (p.Gly519Ser). This variant is not present in population databases (gnomAD no frequency). This variant has not been reported in the literature in individuals affected with CARD14-related conditions. Invitae Evidence Modeling of protein sequence and biophysical properties (such as structural, functional, and spatial information, amino acid conservation, physicochemical variation, residue mobility, and thermodynamic stability) indicates that this missense variant is not expected to disrupt CARD14 protein function with a negative predictive value of 95%. In summary, the available evidence is currently insufficient to determine the role of this variant in disease. Therefore, it has been classified as a Variant of Uncertain Significance.

NM_001366385.1(CARD14):c.1555G>A (p.Gly519Ser)

Gene: CARD14 (caspase recruitment domain family member 14; plus strand). Cytogenetic location: 17q25.3.
Variant type: single nucleotide variant.
Coding change: c.1555G>A on transcript NM_001366385.1 (MANE Select); coding-DNA position 1555, G replaced by A.
Protein change: p.Gly519Ser; replaces glycine 519 with serine.
Molecular consequence: missense variant. On other transcripts: non-coding transcript variant (1).
Genome position (GRCh38, 1-based): chr17:80,195,613, G>A. VCF-style: chr17-80195613-G-A. GRCh37 (hg19) VCF-style: chr17-78169412-G-A.
Other names: c.1555G>A, p.Gly519Ser (NM_001257970.1, NM_024110.4); c.844G>A, p.Gly282Ser (NM_052819.3); short protein forms G519S, G282S.
Identifiers: ClinVar variation 4793732 (VCV004793732.1).